The following is an entry in ClinVar:

ClinVar aggregate classification (germline): Benign. Review status: criteria provided, multiple submitters, no conflicts (2 of 4 stars). 5 submissions from 5 submitters: Benign (4). 1 of the submissions does not count toward it. Last evaluated 2026-02-02.

Conditions:
DYNC1I1-related disorder. Also called: DYNC1I1-related condition.

Allele frequency attached by ClinVar (database versions not stated): 1000 Genomes Project 0.05351; 1000 Genomes Project 30x 0.05387; ESP Exome Variant Server 0.07378; TOPMed 0.07684; gnomAD 0.08026 and 0.08179; gnomAD exomes 0.08462 and 0.09677; ExAC 0.09361.
gnomAD v4.1: 147,284 of 1,550,238 alleles (9.5%); highest among the groups gnomAD compares: Non-Finnish European, 10%; 7,489 homozygotes.

Submissions (5):

Labcorp Genetics (formerly Invitae), Labcorp
Classification: Benign. Last evaluated: 2026-02-02. Review status: criteria provided, single submitter. Criteria: Invitae Variant Classification Sherloc (09022015). Collection method: clinical testing. Allele origin: germline.

GeneDx
Classification: Benign. Last evaluated: 2021-05-12. Review status: criteria provided, single submitter. Criteria: GeneDx Variant Classification Process June 2021. Collection method: clinical testing. Allele origin: germline. Affected: yes.

Laboratory for Molecular Medicine, Mass General Brigham Personalized Medicine
Classification: Benign. Last evaluated: 2016-03-29. Review status: criteria provided, single submitter. Criteria: LMM Criteria. Collection method: clinical testing. Allele origin: germline.
Comment: Variant identified in a genome or exome case(s) and assessed due to predicted null impact of the variant or pathogenic assertions in the literature or databases. Disclaimer: This variant has not undergone full assessment. The following are preliminary notes: Frequency

Breakthrough Genomics
Classification: Benign. Review status: criteria provided, single submitter. Criteria: ACMG Guidelines, 2015. Collection method: not provided. Allele origin: germline. Inheritance: Unknown mechanism. Affected: yes.

PreventionGenetics, part of Exact Sciences
Classification: Benign for DYNC1I1-related condition. Last evaluated: 2019-10-28. Review status: no assertion criteria provided. Collection method: clinical testing. Allele origin: germline. Not counted in ClinVar's aggregate classification.
Comment: This variant is classified as benign based on ACMG/AMP sequence variant interpretation guidelines (Richards et al. 2015 PMID: 25741868, with internal and published modifications).

NM_001135556.2(DYNC1I1):c.108+7C>G

Gene: DYNC1I1 (dynein cytoplasmic 1 intermediate chain 1; plus strand). Cytogenetic location: 7q21.3.
Variant type: single nucleotide variant.
Coding change: c.108+7C>G on transcript NM_001135556.2 (MANE Select); 7 bases into the intron after coding-DNA position 108, C replaced by G.
Molecular consequence: intron variant.
Genome position (GRCh38, 1-based): chr7:95,804,844, C>G. VCF-style: chr7-95804844-C-G. GRCh37 (hg19) VCF-style: chr7-95434156-C-G.
Other names: c.108+7C>G (NM_001278422.2, NM_004411.5, NM_001278421.2 and 1 more transcripts).
Identifiers: ClinVar variation 402810 (VCV000402810.16), dbSNP rs41278809, ClinGen allele CA4352098.